The following is an entry in ClinVar:

ClinVar aggregate classification (germline): Likely pathogenic. Review status: criteria provided, multiple submitters, no conflicts (2 of 4 stars). 2 submissions from 2 submitters: Likely pathogenic (2). Last evaluated 2022-09-21.

Conditions:
FBN1-related disorder. Also called: FBN1-related disorders.

Submissions (2):

Blueprint Genetics
Classification: Likely pathogenic for FBN1-related disorders. Last evaluated: 2022-09-21. Review status: criteria provided, single submitter. Criteria: ACMG Guidelines, 2015. Collection method: clinical testing. Allele origin: germline. Affected: yes. Observed: 1 variant allele.

GeneDx
Classification: Likely pathogenic. Last evaluated: 2017-01-19. Review status: criteria provided, single submitter. Criteria: GeneDx Variant Classification (06012015). Collection method: clinical testing. Allele origin: germline. Affected: yes.
Comment: This variant has not been published as pathogenic or been reported as benign to our knowledge. The c.7204 G>C (D2402H) variant is not observed at a significant frequency in large population cohorts (Lek et al., 2016; 1000 Genomes Consortium et al., 2015; Exome Variant Server). At the mRNA level, this substitution occurs at the last nucleotide position of the exon, which is conserved across species. In silico splice prediction programs predict this variant likely destroys or severely compromises the splice donor site of intron 57 and may result in abnormal gene splicing. Furthermore, other downstream splice site variants and a different variant affecting the same splice donor site (c.7204+1G>C) have been reported in HGMD in association with Marfan syndrome (Stenson et al., 2014). However, in the absence of functional mRNA studies, the splicing consequence of this variant cannot be precisely determined.At the protein level, the c.7204 G>C (D2402H) variant is a non-conservative amino acid substitution, which is likely to impact secondary protein structure as these residues differ in polarity, charge, size and/or other properties. This substitution occurs at an amino acid residue that is conserved across species, and in silico analysis predicts this variant is probably damaging to the protein structure/function. Furthermore, the c.7204 G>C (D2402H) variant affects one of the calcium binding residues within a EGF-like calcium binding domain, the substitution of which is a recognized mutational mechanism for Marfan syndrome (Loeys et al., 2010). The Aspartic acid residue at this position is completely conserved across EGF-like calcium binding domains in the FBN1 gene.

NM_000138.5(FBN1):c.7204G>C (p.Asp2402His)

Gene: FBN1 (fibrillin 1; minus strand). Cytogenetic location: 15q21.1.
Variant type: single nucleotide variant.
Coding change: c.7204G>C on transcript NM_000138.5 (MANE Select); coding-DNA position 7204, G replaced by C.
Protein change: p.Asp2402His; replaces aspartic acid 2402 with histidine.
Molecular consequence: missense variant.
Genome position (GRCh38, 1-based): chr15:48,427,567, C>G on the plus strand (G>C on the coding strand, the complement: FBN1 is on the minus strand). VCF-style: chr15-48427567-C-G. GRCh37 (hg19) VCF-style: chr15-48719764-C-G.
Other names: short protein forms D2402H.
Identifiers: ClinVar variation 393048 (VCV000393048.3), dbSNP rs1057524757, ClinGen allele CA16606688.